The following is an entry in ClinVar:

ClinVar aggregate classification (germline): Uncertain significance (1 of 4 stars; one submission).

Conditions:
Autosomal dominant limb-girdle muscular dystrophy type 1F (LGMDD2). Also called: Limb-girdle muscular dystrophy, type 1F; MUSCULAR DYSTROPHY, LIMB-GIRDLE, AUTOSOMAL DOMINANT 2. Identifiers: Orphanet 55595, MedGen C1842062, MONDO:0012034, OMIM 608423.

Allele frequency attached by ClinVar (database versions not stated): gnomAD exomes below 0.00001 and 0.00001; TOPMed below 0.00001.
gnomAD v4.1: 2 of 1,614,178 alleles (0.00012%); highest among the groups gnomAD compares: Non-Finnish European, 0.00017%; no homozygotes.

Submission:

Labcorp Genetics (formerly Invitae), Labcorp
Classification: Uncertain significance for Autosomal dominant limb-girdle muscular dystrophy type 1F. Last evaluated: 2025-07-23. Review status: criteria provided, single submitter. Criteria: Invitae Variant Classification Sherloc (09022015). Collection method: clinical testing. Allele origin: germline.
Comment: This sequence change replaces proline, which is neutral and non-polar, with arginine, which is basic and polar, at codon 775 of the TNPO3 protein (p.Pro775Arg). This variant is present in population databases (no rsID available, gnomAD 0.002%). This variant has not been reported in the literature in individuals affected with TNPO3-related conditions. ClinVar contains an entry for this variant (Variation ID: 1399437). Invitae Evidence Modeling of protein sequence and biophysical properties (such as structural, functional, and spatial information, amino acid conservation, physicochemical variation, residue mobility, and thermodynamic stability) indicates that this missense variant is not expected to disrupt TNPO3 protein function with a negative predictive value of 80%. In summary, the available evidence is currently insufficient to determine the role of this variant in disease. Therefore, it has been classified as a Variant of Uncertain Significance.

NM_012470.4(TNPO3):c.2324C>G (p.Pro775Arg)

Gene: TNPO3 (transportin 3; minus strand). Cytogenetic location: 7q32.1.
Variant type: single nucleotide variant.
Coding change: c.2324C>G on transcript NM_012470.4 (MANE Select); coding-DNA position 2324, C replaced by G.
Protein change: p.Pro775Arg; replaces proline 775 with arginine.
Molecular consequence: missense variant. On other transcripts: non-coding transcript variant (18).
Genome position (GRCh38, 1-based): chr7:128,972,532, G>C on the plus strand (C>G on the coding strand, the complement: TNPO3 is on the minus strand). VCF-style: chr7-128972532-G-C. GRCh37 (hg19) VCF-style: chr7-128612586-G-C.
Other names: c.2132C>G, p.Pro711Arg (NM_001191028.3, NM_001382223.1); c.2426C>G, p.Pro809Arg (NM_001382216.1); c.2405C>G, p.Pro802Arg (NM_001382217.1); c.2324C>G, p.Pro775Arg (NM_001382218.1); c.2216C>G, p.Pro739Arg (NM_001382219.1); c.2183C>G, p.Pro728Arg (NM_001382220.1); c.2180C>G, p.Pro727Arg (NM_001382221.1); c.2177C>G, p.Pro726Arg (NM_001382222.1); short protein forms P726R, P809R, P727R, P739R, P775R, P802R, P711R, P728R.
Identifiers: ClinVar variation 1399437 (VCV001399437.6), dbSNP rs1213604486, ClinGen allele CA369252596.
Genomic context (GRCh38, chr7:128,972,532, plus strand): 5'-ACACTACAATTGGCATCCCGGTGGTCCAGGGTAGTAGAGGCAATGGCCCACTGTAAGATA[G>C]GGATGACCACTTGGCTCCGCAGCAAGGTGACAGGGCTACGCTGAATAAACCTGGTGTGGA-3'
Protein context (NP_036602.1, residues 765-785): VTLLRSQVVI[Pro775Arg]ILQWAIASTT